The following is an entry in ClinVar:

ClinVar aggregate classification (germline): Likely benign (0 of 4 stars; one submission).

Conditions:
TIMM22-related disorder. Also called: TIMM22-related condition.

Allele frequency attached by ClinVar (database versions not stated): ESP Exome Variant Server 0.00040; ExAC 0.00045; 1000 Genomes Project 0.00120; gnomAD 0.00144; 1000 Genomes Project 30x 0.00156; TOPMed 0.00160.
gnomAD v4.1: 446 of 1,609,648 alleles (0.028%); highest among the groups gnomAD compares: African/African-American, 0.49%; no homozygotes.

Submission:

PreventionGenetics, part of Exact Sciences
Classification: Likely benign for TIMM22-related condition. Last evaluated: 2022-01-25. Review status: no assertion criteria provided. Collection method: clinical testing. Allele origin: germline.
Comment: This variant is classified as likely benign based on ACMG/AMP sequence variant interpretation guidelines (Richards et al. 2015 PMID: 25741868, with internal and published modifications).

NM_013337.4(TIMM22):c.20A>G (p.Asn7Ser)

Gene: TIMM22 (translocase of inner mitochondrial membrane 22; plus strand). Cytogenetic location: 17p13.3.
Variant type: single nucleotide variant.
Coding change: c.20A>G on transcript NM_013337.4 (MANE Select); coding-DNA position 20, A replaced by G.
Protein change: p.Asn7Ser; replaces asparagine 7 with serine.
Molecular consequence: missense variant.
Genome position (GRCh38, 1-based): chr17:997,162, A>G. VCF-style: chr17-997162-A-G. GRCh37 (hg19) VCF-style: chr17-900402-A-G.
Other names: short protein forms N7S.
Identifiers: ClinVar variation 3050774 (VCV003050774.2), dbSNP rs76343685, ClinGen allele CA8264365.
Genomic context (GRCh38, chr17:997,162, plus strand): 5'-GCGGGGAGAAGGACGCGAGGGTTGCTTGGGCAGCGACTGTCATGGCGGCGGCCGCCCCCA[A>G]TGCCGGAGGCTCGGCCCCTGAGACAGCGGGTTCCGCCGAAGCTCCGCTGCAGTACAGCCT-3'
Protein context (NP_037469.2, residues 1-17): MAAAAP[Asn7Ser]AGGSAPETAG